The following is an entry in ClinVar:

ClinVar aggregate classification (germline): Uncertain significance (1 of 4 stars; one submission).

Allele frequency attached by ClinVar (database versions not stated): 1000 Genomes Project 30x 0.00031; 1000 Genomes Project 0.00020.

Submission:

Labcorp Genetics (formerly Invitae), Labcorp
Classification: Uncertain significance. Last evaluated: 2025-06-13. Review status: criteria provided, single submitter. Criteria: Invitae Variant Classification Sherloc (09022015). Collection method: clinical testing. Allele origin: germline.
Comment: This sequence change replaces proline, which is neutral and non-polar, with leucine, which is neutral and non-polar, at codon 782 of the BRD4 protein (p.Pro782Leu). This variant is not present in population databases (gnomAD no frequency). This variant has not been reported in the literature in individuals affected with BRD4-related conditions. ClinVar contains an entry for this variant (Variation ID: 2869246). Invitae Evidence Modeling of protein sequence and biophysical properties (such as structural, functional, and spatial information, amino acid conservation, physicochemical variation, residue mobility, and thermodynamic stability) indicates that this missense variant is not expected to disrupt BRD4 protein function with a negative predictive value of 80%. In summary, the available evidence is currently insufficient to determine the role of this variant in disease. Therefore, it has been classified as a Variant of Uncertain Significance.

NM_001379291.1(BRD4):c.2345C>T (p.Pro782Leu)

Gene: BRD4 (bromodomain containing 4; minus strand). Cytogenetic location: 19p13.12.
Variant type: single nucleotide variant.
Coding change: c.2345C>T on transcript NM_001379291.1 (MANE Select); coding-DNA position 2345, C replaced by T.
Protein change: p.Pro782Leu; replaces proline 782 with leucine.
Molecular consequence: missense variant.
Genome position (GRCh38, 1-based): chr19:15,244,467, G>A on the plus strand (C>T on the coding strand, the complement: BRD4 is on the minus strand). VCF-style: chr19-15244467-G-A. GRCh37 (hg19) VCF-style: chr19-15355278-G-A.
Other names: c.2345C>T, p.Pro782Leu (NM_058243.3); short protein forms P782L.
Identifiers: ClinVar variation 2869246 (VCV002869246.3), dbSNP rs200757175, ClinGen allele CA305790660.